The following is an entry in ClinVar:

ClinVar aggregate classification (germline): Uncertain significance (1 of 4 stars; one submission).

Conditions:
RASopathy. Also called: rasopathies; Noonan spectrum disorder. Identifiers: Orphanet 536391, MedGen C5555857, MONDO:0021060.

Submission:

Labcorp Genetics (formerly Invitae), Labcorp
Classification: Uncertain significance for RASopathy. Last evaluated: 2023-04-28. Review status: criteria provided, single submitter. Criteria: Invitae Variant Classification Sherloc (09022015). Collection method: clinical testing. Allele origin: germline.
Comment: Experimental studies and prediction algorithms are not available or were not evaluated, and the functional significance of this variant is currently unknown. This variant has not been reported in the literature in individuals affected with SOS1-related conditions. This variant is not present in population databases (gnomAD no frequency). This variant, c.3609_3614del, results in the deletion of 2 amino acid(s) of the SOS1 protein (p.Ile1204_Ser1205del), but otherwise preserves the integrity of the reading frame. In summary, the available evidence is currently insufficient to determine the role of this variant in disease. Therefore, it has been classified as a Variant of Uncertain Significance.

NM_005633.4(SOS1):c.3609_3614del (p.Ile1204_Ser1205del)

Gene: SOS1 (SOS Ras/Rac guanine nucleotide exchange factor 1; minus strand). Cytogenetic location: 2p22.1.
Variant type: Deletion.
Coding change: c.3609_3614del on transcript NM_005633.4 (MANE Select); coding-DNA positions 3609 to 3614, 6 bases deleted (TATCTC; older notation c.3609_3614delTATCTC).
Protein change: p.Ile1204_Ser1205del.
Molecular consequence: inframe deletion.
Genome position (GRCh38, 1-based): chr2:38,986,212-38,986,217, GAGATA deleted on the plus strand (TATCTC on the coding strand, the reverse complement: SOS1 is on the minus strand); deleting any 6 consecutive bases within chr2:38,986,212-38,986,220 gives the same sequence; the c. name uses the placement nearest the transcript's 3' end. VCF-style (leftmost placement, unchanged base first): chr2-38986211-TGAGATA-T. GRCh37 (hg19) VCF-style: chr2-39213352-TGAGATA-T.
Other names: c.3588_3593del, p.Ile1197_Ser1198del (NM_001382394.1); c.3564_3569del, p.Ile1189_Ser1190del (NM_001382395.1).
Identifiers: ClinVar variation 3005245 (VCV003005245.3), dbSNP rs1370381478, ClinGen allele CA768525692.